The following is an entry in ClinVar:

NM_000138.5(FBN1):c.6302C>T (p.Thr2101Met)

Gene: FBN1 (fibrillin 1; minus strand). Cytogenetic location: 15q21.1.
Variant type: single nucleotide variant.
Coding change: c.6302C>T on transcript NM_000138.5 (MANE Select); coding-DNA position 6302, C replaced by T.
Protein change: p.Thr2101Met; replaces threonine 2101 with methionine.
Molecular consequence: missense variant.
Genome position (GRCh38, 1-based): chr15:48,437,779, G>A on the plus strand (C>T on the coding strand, the complement: FBN1 is on the minus strand). VCF-style: chr15-48437779-G-A. GRCh37 (hg19) VCF-style: chr15-48729976-G-A.
Other names: short protein forms T2101M.
Identifiers: ClinVar variation 264000 (VCV000264000.33), dbSNP rs200816828, ClinGen allele CA056505.
Genomic context (GRCh38, chr15:48,437,779, plus strand): 5'-CAGTCTGCACCCTGCATGGCCCAGAGAGAAATGCAGATGACAGACATACCATCAGGTTCC[G>A]TGGGGCAGAGCTCGCAGGGGTCTCCCCAGCCTTCTCCCTTCAAGGCACAGCAGCATTCCT-3'
Protein context (NP_000129.3, residues 2091-2111): GWGDPCELCP[Thr2101Met]EPDEAFRQIC

ClinVar aggregate classification (germline): Conflicting classifications of pathogenicity. Review status: criteria provided, conflicting classifications (1 of 4 stars). 13 submissions from 13 submitters: Uncertain significance (1); Benign (1); Likely benign (9). 2 of the submissions do not count toward it. Last evaluated 2026-02-10.

Conditions:
Connective tissue disorder. Also called: Connective tissue disease. Identifiers: MedGen C0009782, MONDO:0003900.
Marfan syndrome (MFS). Also called: MARFAN SYNDROME, TYPE I; FBN1-Related Marfan Syndrome; Marfan syndrome, classic; Marfan syndrome type 1; Marfan's syndrome. Identifiers: Orphanet 284963, Orphanet 558, MedGen C0024796, MONDO:0007947, OMIM 154700.
Familial thoracic aortic aneurysm and aortic dissection (TAAD). Also called: Thoracic aortic aneurysms and dissections. Identifiers: Orphanet 91387, MedGen C4707243, MONDO:0019625.
FBN1-related disorder. Also called: FBN1-related disorders.

Allele frequency attached by ClinVar (database versions not stated): gnomAD 0.00006 and 0.00007; ESP Exome Variant Server 0.00008; 1000 Genomes Project 0.00060; ExAC 0.00020; 1000 Genomes Project 30x 0.00078; gnomAD exomes 0.00009 and 0.00021; TOPMed 0.00012.
gnomAD v4.1: 141 of 1,613,698 alleles (0.0087%); highest among the groups gnomAD compares: Admixed American, 0.07%; no homozygotes.

Submissions (13):

Dasa
Classification: Likely benign. Last evaluated: 2026-02-10. Review status: criteria provided, single submitter. Criteria: DASA Assertion Criteria. Collection method: clinical testing. Allele origin: germline.
Comment: NM_000138.5(FBN1):c.6302C>T (p.Thr2101Met) is a missense variant that results in the substitution of threonine with methionine. Population frequency is inconsistent with a disease-causing role for this variant. Computational prediction algorithms are consistent with a benign effect. Therefore, based on the currently available evidence, this variant is classified as likely benign.

Labcorp Genetics (formerly Invitae), Labcorp
Classification: Likely benign for Marfan syndrome; Familial thoracic aortic aneurysm and aortic dissection. Last evaluated: 2025-12-15. Review status: criteria provided, single submitter. Criteria: Invitae Variant Classification Sherloc (09022015). Collection method: clinical testing. Allele origin: germline.

ARUP Laboratories, Molecular Genetics and Genomics, ARUP Laboratories
Classification: Likely benign. Last evaluated: 2024-12-09. Review status: criteria provided, single submitter. Criteria: ARUP Molecular Germline Variant Investigation Process 2024. Collection method: clinical testing. Allele origin: germline.

Blueprint Genetics
Classification: Likely benign. Last evaluated: 2024-10-18. Review status: criteria provided, single submitter. Criteria: ACMG Guidelines, 2015. Collection method: clinical testing. Allele origin: germline.

Centre of Medical Genetics, University of Antwerp
Classification: Uncertain significance for Familial thoracic aortic aneurysm and aortic dissection. Last evaluated: 2024-09-06. Review status: criteria provided, single submitter. Criteria: ACMG Guidelines, 2015. Collection method: clinical testing. Allele origin: germline. Affected: yes.

Women's Health and Genetics/Laboratory Corporation of America, LabCorp
Classification: Likely benign. Last evaluated: 2023-12-12. Review status: criteria provided, single submitter. Criteria: LabCorp Variant Classification Summary - May 2015. Collection method: clinical testing. Allele origin: germline.
Comment: Variant summary: FBN1 c.6302C>T (p.Thr2101Met) results in a non-conservative amino acid change in the encoded protein sequence. Four of five in-silico tools predict a benign effect of the variant on protein function. The variant allele was found at a frequency of 0.00021 in 250698 control chromosomes, predominantly at a frequency of 0.0012 within the Latino subpopulation in the gnomAD database. The observed variant frequency within Latino control individuals in the gnomAD database is approximately 10.67 fold of the estimated maximal expected allele frequency for a pathogenic variant in FBN1 causing Marfan Syndrome phenotype (0.00011), strongly suggesting that the variant is a benign polymorphism found primarily in populations of Latino origin. c.6302C>T has been reported in the literature in individuals affected with Marfan Syndrome, without strong evidence for causality (Katzke_2002). This report does not provide unequivocal conclusions about association of the variant with Marfan Syndrome. To our knowledge, no experimental evidence demonstrating an impact on protein function has been reported. Seven submitters have cited clinical-significance assessments for this variant to ClinVar after 2014: six submitters classified the variant as likely benign/benign while one classified as VUS. Based on the evidence outlined above, the variant was classified as likely benign.

Genome Diagnostics Laboratory, The Hospital for Sick Children
Classification: Likely benign for Connective tissue disorder. Last evaluated: 2021-12-06. Review status: criteria provided, single submitter. Criteria: ACMG Guidelines, 2015. Collection method: clinical testing. Allele origin: germline.

Ambry Genetics
Classification: Likely benign for Familial thoracic aortic aneurysm and aortic dissection. Last evaluated: 2020-12-31. Review status: criteria provided, single submitter. Criteria: Ambry Variant Classification Scheme 2023. Collection method: clinical testing. Allele origin: germline.

Color Diagnostics, LLC DBA Color Health
Classification: Likely benign for Familial thoracic aortic aneurysm and aortic dissection. Last evaluated: 2018-10-27. Review status: criteria provided, single submitter. Criteria: ACMG Guidelines, 2015. Collection method: clinical testing. Allele origin: germline.

GeneDx
Classification: Likely benign. Last evaluated: 2018-04-02. Review status: criteria provided, single submitter. Criteria: GeneDx Variant Classification (06012015). Collection method: clinical testing. Allele origin: germline. Affected: yes.
Comment: This variant is considered likely benign or benign based on one or more of the following criteria: it is a conservative change, it occurs at a poorly conserved position in the protein, it is predicted to be benign by multiple in silico algorithms, and/or has population frequency not consistent with disease.

CHEO Genetics Diagnostic Laboratory, Children's Hospital of Eastern Ontario
Classification: Benign for Familial thoracic aortic aneurysm and aortic dissection. Last evaluated: 2017-11-09. Review status: criteria provided, single submitter. Criteria: ACMG Guidelines, 2015. Collection method: clinical testing. Allele origin: germline.

PreventionGenetics, part of Exact Sciences
Classification: Likely benign for FBN1-related condition. Last evaluated: 2023-10-19. Review status: no assertion criteria provided. Collection method: clinical testing. Allele origin: germline. Not counted in ClinVar's aggregate classification.
Comment: This variant is classified as likely benign based on ACMG/AMP sequence variant interpretation guidelines (Richards et al. 2015 PMID: 25741868, with internal and published modifications).

Center for Medical Genetics Ghent, University of Ghent
Classification: Uncertain significance for Marfan syndrome. Last evaluated: 2017-11-07. Review status: no assertion criteria provided. Collection method: clinical testing. Allele origin: germline. Affected: yes. Not counted in ClinVar's aggregate classification.

Literature cited by the submitters: PubMed 12203992 (cited by Women's Health and Genetics/Laboratory Corporation of America, LabCorp and Ambry Genetics).